The following is an entry in ClinVar:

ClinVar aggregate classification (germline): Uncertain significance (1 of 4 stars; one submission).

Submission:

CeGaT Center for Human Genetics Tuebingen
Classification: Uncertain significance. Last evaluated: 2024-11-01. Review status: criteria provided, single submitter. Criteria: CeGaT Center For Human Genetics Tuebingen Variant Classification Criteria Version 2. Collection method: clinical testing. Allele origin: germline. Affected: yes. Observed: 1 variant allele.
Comment: DST: PM2, BP4

NM_001374736.1(DST):c.14386G>A (p.Glu4796Lys)

Gene: DST (dystonin; minus strand). Cytogenetic location: 6p12.1.
Variant type: single nucleotide variant.
Coding change: c.14386G>A on transcript NM_001374736.1 (MANE Select); coding-DNA position 14386, G replaced by A.
Protein change: p.Glu4796Lys; replaces glutamic acid 4796 with lysine.
Molecular consequence: missense variant.
Genome position (GRCh38, 1-based): chr6:56,560,348, C>T on the plus strand (G>A on the coding strand, the complement: DST is on the minus strand). VCF-style: chr6-56560348-C-T. GRCh37 (hg19) VCF-style: chr6-56425146-C-T.
Other names: c.8029G>A, p.Glu2677Lys (NM_001144769.5); c.7615G>A, p.Glu2539Lys (NM_001144770.2); c.14386G>A, p.Glu4796Lys (NM_001374722.1); c.13753G>A, p.Glu4585Lys (NM_001374729.1); c.7495G>A, p.Glu2499Lys (NM_001374730.1, NM_001386100.1, NM_183380.4); c.14413G>A, p.Glu4805Lys (NM_001374734.1); c.6517G>A, p.Glu2173Lys (NM_015548.5); short protein forms E2173K, E2499K, E2539K, E2677K, E4585K, E4796K, E4805K.
Identifiers: ClinVar variation 3390232 (VCV003390232.14).